The following is an entry in ClinVar:

NM_007194.4(CHEK2):c.660CAT[1] (p.Ile221del)

Gene: CHEK2 (checkpoint kinase 2; minus strand). Cytogenetic location: 22q12.1.
Variant type: Microsatellite.
Coding change: c.660CAT[1] on transcript NM_007194.4 (MANE Select); one copy of the 3-base unit CAT starting at c.660; the reference has two copies in a row; one copy, 3 bases deleted.
Protein change: p.Ile221del; deletes isoleucine 221.
Molecular consequence: inframe deletion. On other transcripts: initiator codon variant (2), intron variant (1).
Genome position (GRCh38, 1-based): chr22:28,719,413-28,719,415, ATG deleted on the plus strand (CAT on the coding strand, the reverse complement: CHEK2 is on the minus strand); deleting any 3 consecutive bases within chr22:28,719,413-28,719,418 gives the same sequence; the position shown is the placement nearest the transcript's 3' end. VCF-style (leftmost placement, unchanged base first): chr22-28719412-CATG-C. GRCh37 (hg19) VCF-style: chr22-29115400-CATG-C.
Other names: c.789CAT[1], p.Ile264del (NM_001005735.3, NM_001438294.1); c.-4CAT[1], p.Met1del (NM_001257387.3, NM_001437942.1); c.753CAT[1], p.Ile252del (NM_001438293.1, NM_001438295.1); c.660CAT[1], p.Ile221del (NM_145862.3); c.482+5471_482+5473del (NM_001349956.3); short protein forms I221del, M1del, I264del, I252del.
Identifiers: ClinVar variation 574666 (VCV000574666.10), dbSNP rs1569149693, ClinGen allele CA891844555.

ClinVar aggregate classification (germline): Uncertain significance (1 of 4 stars; one submission).

Conditions:
Familial cancer of breast. Also called: hereditary breast carcinoma; BREAST CANCER, FAMILIAL; Hereditary breast cancer. Identifiers: Orphanet 227535, MedGen C0346153, MONDO:0016419, OMIM 114480. Disease mechanism: loss of function.

Submission:

Labcorp Genetics (formerly Invitae), Labcorp
Classification: Uncertain significance for Familial cancer of breast. Last evaluated: 2025-08-20. Review status: criteria provided, single submitter. Criteria: Invitae Variant Classification Sherloc (09022015). Collection method: clinical testing. Allele origin: germline.
Comment: This variant, c.663_665del, results in the deletion of 1 amino acid(s) of the CHEK2 protein (p.Ile221del), but otherwise preserves the integrity of the reading frame. This variant is not present in population databases (gnomAD no frequency). This variant has not been reported in the literature in individuals affected with CHEK2-related conditions. Experimental studies and prediction algorithms are not available or were not evaluated, and the functional significance of this variant is currently unknown. In summary, the available evidence is currently insufficient to determine the role of this variant in disease. Therefore, it has been classified as a Variant of Uncertain Significance.